The following is an entry in ClinVar:

ClinVar aggregate classification (germline): Uncertain significance (1 of 4 stars; one submission).

Submission:

CeGaT Center for Human Genetics Tuebingen
Classification: Uncertain significance. Last evaluated: 2024-11-01. Review status: criteria provided, single submitter. Criteria: CeGaT Center For Human Genetics Tuebingen Variant Classification Criteria Version 2. Collection method: clinical testing. Allele origin: germline. Affected: yes. Observed: 1 variant allele.
Comment: IKZF1: PM2, BP4

NM_006060.6(IKZF1):c.19C>G (p.Gln7Glu)

Gene: IKZF1 (IKAROS family zinc finger 1; plus strand). Cytogenetic location: 7p12.2.
Variant type: single nucleotide variant.
Coding change: c.19C>G on transcript NM_006060.6 (MANE Select); coding-DNA position 19, C replaced by G.
Protein change: p.Gln7Glu; replaces glutamine 7 with glutamic acid.
Molecular consequence: missense variant.
Genome position (GRCh38, 1-based): chr7:50,319,080, C>G. VCF-style: chr7-50319080-C-G. GRCh37 (hg19) VCF-style: chr7-50358676-C-G.
Other names: c.19C>G, p.Gln7Glu (NM_001291847.2, NM_001410879.1, NM_001291846.2 and 14 more transcripts); short protein forms Q7E.
Identifiers: ClinVar variation 3389529 (VCV003389529.14).